The following is an entry in ClinVar:

ClinVar aggregate classification (germline): Uncertain significance (1 of 4 stars; one submission).

Submission:

Labcorp Genetics (formerly Invitae), Labcorp
Classification: Uncertain significance. Last evaluated: 2025-05-03. Review status: criteria provided, single submitter. Criteria: Invitae Variant Classification Sherloc (09022015). Collection method: clinical testing. Allele origin: germline.
Comment: This sequence change replaces aspartic acid, which is acidic and polar, with glycine, which is neutral and non-polar, at codon 82 of the APC2 protein (p.Asp82Gly). This variant is not present in population databases (gnomAD no frequency). This variant has not been reported in the literature in individuals affected with APC2-related conditions. An algorithm developed to predict the effect of missense changes on protein structure and function (PolyPhen-2) suggests that this variant is likely to be disruptive. In summary, the available evidence is currently insufficient to determine the role of this variant in disease. Therefore, it has been classified as a Variant of Uncertain Significance.

NM_005883.3(APC2):c.245A>G (p.Asp82Gly)

Gene: APC2 (APC regulator of Wnt signaling pathway 2; plus strand). Cytogenetic location: 19p13.3.
Variant type: single nucleotide variant.
Coding change: c.245A>G on transcript NM_005883.3 (MANE Select); coding-DNA position 245, A replaced by G.
Protein change: p.Asp82Gly; replaces aspartic acid 82 with glycine.
Molecular consequence: missense variant.
Genome position (GRCh38, 1-based): chr19:1,453,443, A>G. VCF-style: chr19-1453443-A-G. GRCh37 (hg19) VCF-style: chr19-1453442-A-G.
Other names: c.245A>G, p.Asp82Gly (NM_001351273.1); short protein forms D82G.
Identifiers: ClinVar variation 4718514 (VCV004718514.1).
Genomic context (GRCh38, chr19:1,453,443, plus strand): 5'-GAAAGGCAGGCAGGGCCGCTGACCTCCGCCCTGTCCCCGCCCATCCAGCCCTACAGATGG[A>G]CATCACCAGCCTGTACAACCTCAAGTTCCAGCCGCCCACCCTGGGCCCGGAGCCTGCCGC-3'
Protein context (NP_005874.1, residues 72-92): VLEQLKALQM[Asp82Gly]ITSLYNLKFQ